The following is an entry in ClinVar:

ClinVar aggregate classification (germline): Uncertain significance (1 of 4 stars; one submission).

Conditions:
Niemann-Pick disease, type C1. Also called: NIEMANN-PICK DISEASE, VARIANT TYPE C1; NEUROVISCERAL STORAGE DISEASE WITH VERTICAL SUPRANUCLEAR OPHTHALMOPLEGIA; NIEMANN-PICK DISEASE WITH CHOLESTEROL ESTERIFICATION BLOCK; NIEMANN-PICK DISEASE WITHOUT SPHINGOMYELINASE DEFICIENCY; NIEMANN-PICK DISEASE, CHRONIC NEURONOPATHIC FORM. Identifiers: Orphanet 646, MedGen C3179455, MONDO:0009757, OMIM 257220.

Submission:

Labcorp Genetics (formerly Invitae), Labcorp
Classification: Uncertain significance for Niemann-Pick disease, type C1. Last evaluated: 2022-08-16. Review status: criteria provided, single submitter. Criteria: Invitae Variant Classification Sherloc (09022015). Collection method: clinical testing. Allele origin: germline.
Comment: This sequence change replaces phenylalanine, which is neutral and non-polar, with tyrosine, which is neutral and polar, at codon 1278 of the NPC1 protein (p.Phe1278Tyr). This variant is not present in population databases (gnomAD no frequency). This variant has not been reported in the literature in individuals affected with NPC1-related conditions. Advanced modeling of protein sequence and biophysical properties (such as structural, functional, and spatial information, amino acid conservation, physicochemical variation, residue mobility, and thermodynamic stability) performed at Invitae indicates that this missense variant is not expected to disrupt NPC1 protein function. In summary, the available evidence is currently insufficient to determine the role of this variant in disease. Therefore, it has been classified as a Variant of Uncertain Significance.

NM_000271.5(NPC1):c.3833T>A (p.Phe1278Tyr)

Gene: NPC1 (NPC intracellular cholesterol transporter 1; minus strand). Cytogenetic location: 18q11.2.
Variant type: single nucleotide variant.
Coding change: c.3833T>A on transcript NM_000271.5 (MANE Select); coding-DNA position 3833, T replaced by A.
Protein change: p.Phe1278Tyr; replaces phenylalanine 1278 with tyrosine.
Molecular consequence: missense variant.
Genome position (GRCh38, 1-based): chr18:23,532,206, A>T on the plus strand (T>A on the coding strand, the complement: NPC1 is on the minus strand). VCF-style: chr18-23532206-A-T. GRCh37 (hg19) VCF-style: chr18-21112170-A-T.
Other names: short protein forms F1278Y.
Identifiers: ClinVar variation 2112582 (VCV002112582.1), dbSNP rs780691371, ClinGen allele CA401790320.
Genomic context (GRCh38, chr18:23,532,206, plus strand): 5'-AGTGGTAAACCGACCGACCCTTAGACACAGTTCAGTCAGGATGCCCTGCGAGAGGGCTAG[A>T]AATTTAGAAGCCGTTCGCGCTCTGTTCCTTTGTATCGCTCTTCAGTGGCACAACTTTTGG-3'
Protein context (NP_000262.2, residues 1268-1278): KGTERERLLN[Phe1278Tyr]